The following is an entry in ClinVar:

NM_001267550.2(TTN):c.42646A>T (p.Lys14216Ter)

Gene: TTN (titin; minus strand). Cytogenetic location: 2q31.2.
Variant type: single nucleotide variant.
Coding change: c.42646A>T on transcript NM_001267550.2 (MANE Select); coding-DNA position 42646, A replaced by T.
Protein change: p.Lys14216Ter; replaces lysine 14216 with a stop codon.
Molecular consequence: nonsense.
Genome position (GRCh38, 1-based): chr2:178,633,853, T>A on the plus strand (A>T on the coding strand, the complement: TTN is on the minus strand). VCF-style: chr2-178633853-T-A. GRCh37 (hg19) VCF-style: chr2-179498580-T-A.
Other names: c.37723A>T, p.Lys12575Ter (NM_001256850.1); c.15451A>T, p.Lys5151Ter (NM_003319.4); c.34942A>T, p.Lys11648Ter (NM_133378.4); c.15826A>T, p.Lys5276Ter (NM_133432.3); c.16027A>T, p.Lys5343Ter (NM_133437.4); short protein forms K11648*, K12575*, K14216*, K5151*, K5276*, K5343*.
Identifiers: ClinVar variation 2690372 (VCV002690372.5), dbSNP rs1450576387, ClinGen allele CA349654364.

ClinVar aggregate classification (germline): Uncertain significance. Review status: criteria provided, multiple submitters, no conflicts (2 of 4 stars). 2 submissions from 2 submitters: Uncertain significance (2). Last evaluated 2023-10-24.

Conditions:
Dilated cardiomyopathy 1G (CMD1G). Identifiers: Orphanet 154, MedGen C1858763, MONDO:0011400, OMIM 604145.
Autosomal recessive limb-girdle muscular dystrophy type 2J (LGMDR10). Also called: MUSCULAR DYSTROPHY, LIMB-GIRDLE, AUTOSOMAL RECESSIVE 10; Limb-girdle muscular dystrophy, type 2J. Identifiers: Orphanet 140922, MedGen C1837342, MONDO:0012127, OMIM 608807.

Submissions (2):

Labcorp Genetics (formerly Invitae), Labcorp
Classification: Uncertain significance for Dilated cardiomyopathy 1G; Autosomal recessive limb-girdle muscular dystrophy type 2J. Last evaluated: 2023-10-24. Review status: criteria provided, single submitter. Criteria: Invitae Variant Classification Sherloc (09022015). Collection method: clinical testing. Allele origin: germline.
Comment: This sequence change creates a premature translational stop signal (p.Lys14216*) in the TTN gene. While this is not anticipated to result in nonsense mediated decay, it is expected to create a truncated TTN protein. This variant is not present in population databases (gnomAD no frequency). This variant has not been reported in the literature in individuals affected with TTN-related conditions. This variant is located in the I band of TTN (PMID: 25589632). Truncating variants in this region have been shown to be highly prevalent in the general population and unaffected individuals (PMID: 26701604, 22335739). However, truncating variants in this region have also been reported in individuals affected with autosomal recessive centronuclear myopathy (PMID: 23975875). In summary, the available evidence is currently insufficient to determine the role of this variant in disease. Therefore, it has been classified as a Variant of Uncertain Significance.

Revvity Omics, Revvity
Classification: Uncertain significance. Last evaluated: 2023-07-17. Review status: criteria provided, single submitter. Criteria: ACMG Guidelines, 2015. Collection method: clinical testing. Allele origin: germline.

Literature cited by the submitters: PubMed 25589632 (cited by Labcorp Genetics (formerly Invitae), Labcorp); PubMed 26701604 (cited by Labcorp Genetics (formerly Invitae), Labcorp); PubMed 22335739 (cited by Labcorp Genetics (formerly Invitae), Labcorp); PubMed 23975875 (cited by Labcorp Genetics (formerly Invitae), Labcorp).